The following is an entry in ClinVar:

NM_014956.5(CEP164):c.3402C>T (p.Ala1134=)

Gene: CEP164 (centrosomal protein 164; plus strand). Cytogenetic location: 11q23.3.
Variant type: single nucleotide variant.
Coding change: c.3402C>T on transcript NM_014956.5 (MANE Select); coding-DNA position 3402, C replaced by T.
Protein change: p.Ala1134=; no amino-acid change (alanine 1134 retained).
Molecular consequence: synonymous variant.
Genome position (GRCh38, 1-based): chr11:117,397,214, C>T. VCF-style: chr11-117397214-C-T. GRCh37 (hg19) VCF-style: chr11-117267930-C-T.
Other names: c.3411C>T, p.Ala1137= (NM_001271933.2); c.3402C>T (NM_014956.4).
Identifiers: ClinVar variation 1083267 (VCV001083267.10), dbSNP rs779234423, ClinGen allele CA6295442.
Genomic context (GRCh38, chr11:117,397,214, plus strand): 5'-GGAGTTCCTTGTGCAGCAGACACGCTCCATGCGGAGGCGGCAGACAGCTCTGAAAGCTGC[C>T]CAGCAGCATTGGCGCCATGAGCTGGCCAGTGCGCAGGAGGTGGCCAAAGACCCACCAGGC-3'
Protein context (NP_055771.4, residues 1124-1144): MRRRQTALKA[Ala1134=]QQHWRHELAS

ClinVar aggregate classification (germline): Likely benign. Review status: criteria provided, multiple submitters, no conflicts (2 of 4 stars). 2 submissions from 2 submitters: Likely benign (2). Last evaluated 2025-02-17.

Conditions:
CEP164-related disorder. Also called: CEP164-related condition.
Nephronophthisis 15 (NPHP15). Identifiers: Orphanet 3156, MedGen C3541853, MONDO:0013917, OMIM 614845.

Allele frequency attached by ClinVar (database versions not stated): ExAC 0.00001; gnomAD 0.00001; gnomAD exomes 0.00001 and 0.00002.
gnomAD v4.1: 11 of 1,614,110 alleles (0.00068%); highest among the groups gnomAD compares: Admixed American, 0.01%; no homozygotes.

Submissions (2):

PreventionGenetics, part of Exact Sciences
Classification: Likely benign for CEP164-related condition. Last evaluated: 2025-02-17. Review status: criteria provided, single submitter. Criteria: ACMG Guidelines, 2015. Collection method: clinical testing. Allele origin: germline.
Comment: This variant is classified as likely benign based on ACMG/AMP sequence variant interpretation guidelines (Richards et al. 2015 PMID: 25741868, with internal and published modifications).

Labcorp Genetics (formerly Invitae), Labcorp
Classification: Likely benign for Nephronophthisis 15. Last evaluated: 2024-01-06. Review status: criteria provided, single submitter. Criteria: Invitae Variant Classification Sherloc (09022015). Collection method: clinical testing. Allele origin: germline.